The following is an entry in ClinVar:

NM_005559.4(LAMA1):c.4075delinsCTA (p.Leu1359_Glu1360insTer)

Gene: LAMA1 (laminin subunit alpha 1; minus strand). Cytogenetic location: 18p11.31.
Variant type: Indel.
Coding change: c.4075delinsCTA on transcript NM_005559.4 (MANE Select); coding-DNA position 4075, T replaced by CTA.
Protein change: p.Leu1359_Glu1360insTer.
Molecular consequence: frameshift variant.
Genome position (GRCh38, 1-based): chr18:7,008,535, A replaced by TAG on the plus strand (T replaced by CTA on the coding strand, the reverse complement: LAMA1 is on the minus strand). VCF-style: chr18-7008535-A-TAG. GRCh37 (hg19) VCF-style: chr18-7008534-A-TAG.
Identifiers: ClinVar variation 2444624 (VCV002444624.2), dbSNP rs2510067521, ClinGen allele CA2580095901.

ClinVar aggregate classification (germline): Pathogenic. Review status: criteria provided, multiple submitters, no conflicts (2 of 4 stars). 2 submissions from 2 submitters: Pathogenic (2). Last evaluated 2023-06-26.

Conditions:
Ataxia - intellectual disability - oculomotor apraxia - cerebellar cysts syndrome. Also called: Poretti-Boltshauser syndrome. Identifiers: Orphanet 370022, MedGen C4014821, MONDO:0014419, OMIM 615960.

Submissions (2):

Women's Health and Genetics/Laboratory Corporation of America, LabCorp
Classification: Pathogenic for Ataxia - intellectual disability - oculomotor apraxia - cerebellar cysts syndrome. Last evaluated: 2023-06-26. Review status: criteria provided, single submitter. Criteria: LabCorp Variant Classification Summary - May 2015. Collection method: clinical testing. Allele origin: germline.
Comment: Variant summary: LAMA1 c.4075delinsCTA (p.Glu1360X) results in a premature termination codon, predicted to cause absence of the protein due to nonsense mediated decay, a commonly known mechanism for disease. The variant was absent in 251432 control chromosomes (gnomAD). To our knowledge, no occurrence of c.4075delinsCTA in individuals affected with Ataxia-Intellectual Disability-Oculomotor Apraxia-Cerebellar Cysts Syndrome and no experimental evidence demonstrating its impact on protein function have been reported. One submitter has provided a clinical-significance assessment for this variant to ClinVar after 2014 and has classified the variant as pathogenic. Based on the evidence outlined above, the variant was classified as pathogenic.

GeneDx
Classification: Pathogenic. Last evaluated: 2023-03-19. Review status: criteria provided, single submitter. Criteria: GeneDx Variant Classification Process June 2021. Collection method: clinical testing. Allele origin: germline. Affected: yes.
Comment: Nonsense variant predicted to result in protein truncation or nonsense mediated decay in a gene for which loss-of-function is a known mechanism of disease; Not observed at significant frequency in large population cohorts (gnomAD); Has not been previously published as pathogenic or benign to our knowledge; This variant is associated with the following publications: (PMID: 27535533)